The following is an entry in ClinVar:

NM_000142.5(FGFR3):c.591C>T (p.Gly197=)

Gene: FGFR3 (fibroblast growth factor receptor 3; plus strand). Cytogenetic location: 4p16.3.
Variant type: single nucleotide variant.
Coding change: c.591C>T on transcript NM_000142.5 (MANE Select); coding-DNA position 591, C replaced by T.
Protein change: p.Gly197=; no amino-acid change (glycine 197 retained).
Molecular consequence: synonymous variant. On other transcripts: non-coding transcript variant (1).
Genome position (GRCh38, 1-based): chr4:1,801,512, C>T. VCF-style: chr4-1801512-C-T. GRCh37 (hg19) VCF-style: chr4-1803239-C-T.
Other names: c.591C>T, p.Gly197= (NM_001163213.2, NM_001354809.2, NM_001354810.2 and 1 more transcripts).
Identifiers: ClinVar variation 4808742 (VCV004808742.1).
Genomic context (GRCh38, chr4:1,801,512, plus strand): 5'-AGCCGCTGGCAACCCCACTCCCTCCATCTCCTGGCTGAAGAACGGCAGGGAGTTCCGCGG[C>T]GAGCACCGCATTGGAGGCATCAAGGTGGGCGCGGCGGGGTGGCTCTGGGCCTGGCAGGCG-3'
Protein context (NP_000133.1, residues 187-207): SWLKNGREFR[Gly197=]EHRIGGIKLR

ClinVar aggregate classification (germline): Uncertain significance (1 of 4 stars; one submission).

gnomAD v4.1: 3 of 1,565,072 alleles (0.00019%); highest among the groups gnomAD compares: East Asian, 0.0047%; no homozygotes.

Submission:

Labcorp Genetics (formerly Invitae), Labcorp
Classification: Uncertain significance. Last evaluated: 2025-06-04. Review status: criteria provided, single submitter. Criteria: Invitae Variant Classification Sherloc (09022015). Collection method: clinical testing. Allele origin: germline.
Comment: This sequence change affects codon 197 of the FGFR3 mRNA. It is a 'silent' change, meaning that it does not change the encoded amino acid sequence of the FGFR3 protein. The frequency data for this variant in the population databases is considered unreliable, as metrics indicate poor data quality at this position in the gnomAD database. This variant has not been reported in the literature in individuals affected with FGFR3-related conditions. Algorithms developed to predict the effect of sequence changes on RNA splicing suggest that this variant may disrupt the consensus splice site. In summary, the available evidence is currently insufficient to determine the role of this variant in disease. Therefore, it has been classified as a Variant of Uncertain Significance.